The following is an entry in ClinVar:

NM_000516.7(GNAS):c.1128del (p.Phe376fs)

Gene: GNAS (GNAS complex locus; plus strand). Cytogenetic location: 20q13.32.
Variant type: Deletion.
Coding change: c.1128del on transcript NM_000516.7 (MANE Select); coding-DNA position 1128, one base deleted (C; older notation c.1128delC).
Protein change: p.Phe376fs; shifts the reading frame from phenylalanine 376.
Molecular consequence: frameshift variant. On other transcripts: 3 prime UTR variant (2).
Genome position (GRCh38, 1-based): chr20:58,910,772, C deleted. VCF-style (leftmost placement, unchanged base first): chr20-58910771-TC-T. GRCh37 (hg19) VCF-style: chr20-57485826-TC-T.
Other names: c.1131del, p.Phe377fs (NM_001077488.5); c.1083del, p.Phe361fs (NM_001077489.4); c.*989del (NM_001077490.3); c.951del, p.Phe317fs (NM_001309840.2, NM_001309861.2); c.*1034del (NM_016592.5); c.3057del, p.Phe1019fs (NM_080425.4); c.1086del, p.Phe362fs (NM_080426.4); short protein forms F376fs, F1019fs, F362fs, F377fs, F317fs, F361fs.
Identifiers: ClinVar variation 1519610 (VCV001519610.8), dbSNP rs2146306279, ClinGen allele CA2573157161.

ClinVar aggregate classification (germline): Pathogenic (1 of 4 stars; one submission).

Submission:

Labcorp Genetics (formerly Invitae), Labcorp
Classification: Pathogenic. Last evaluated: 2023-07-14. Review status: criteria provided, single submitter. Criteria: Invitae Variant Classification Sherloc (09022015). Collection method: clinical testing. Allele origin: germline.
Comment: For these reasons, this variant has been classified as Pathogenic. This variant disrupts a region of the GNAS protein in which other variant(s) (p.Glu392Lys) have been determined to be pathogenic (PMID: 12970262, 21488135, 21525160, 24651309). This suggests that this is a clinically significant region of the protein, and that variants that disrupt it are likely to be disease-causing. ClinVar contains an entry for this variant (Variation ID: 1519610). This frameshift has been observed in individual(s) with pseudohypoparathyroidism with Albright's hereditary osteodystropy (Invitae). This variant is not present in population databases (gnomAD no frequency). This sequence change results in a frameshift in the GNAS gene (p.Phe376Leufs*28). While this is not anticipated to result in nonsense mediated decay, it is expected to disrupt the last 19 amino acid(s) of the GNAS protein and extend the protein by 8 additional amino acid residues.

Literature cited by the submitters: PubMed 12970262; PubMed 21488135; PubMed 21525160; PubMed 24651309.